The following is an entry in ClinVar:

NM_013251.4(TAC3):c.248A>G (p.His83Arg)

Gene: TAC3 (tachykinin precursor 3; minus strand). Cytogenetic location: 12q13.3.
Variant type: single nucleotide variant.
Coding change: c.248A>G on transcript NM_013251.4 (MANE Select); coding-DNA position 248, A replaced by G.
Protein change: p.His83Arg; replaces histidine 83 with arginine.
Molecular consequence: missense variant. On other transcripts: non-coding transcript variant (3), intron variant (1).
Genome position (GRCh38, 1-based): chr12:57,012,866, T>C on the plus strand (A>G on the coding strand, the complement: TAC3 is on the minus strand). VCF-style: chr12-57012866-T-C. GRCh37 (hg19) VCF-style: chr12-57406650-T-C.
Other names: c.239-414A>G (NM_001178054.2); short protein forms H83R.
Identifiers: ClinVar variation 180150 (VCV000180150.33), dbSNP rs143862988, ClinGen allele CA185877.
Genomic context (GRCh38, chr12:57,012,866, plus strand): 5'-CTCCACACACTCCTACCTGGCTGGACGCTCCTCTTGCCCATAAGTCCCACAAAGAAGTCA[T>C]GCATGTCACCTGCAGAAAAGGGCCAACATTGTCAGCAGTGATGATGAGAAAGTGAAGCAT-3'
Protein context (NP_037383.1, residues 73-93): ESTSPEKRDM[His83Arg]DFFVGLMGKR

ClinVar aggregate classification (germline): Conflicting classifications of pathogenicity. Review status: criteria provided, conflicting classifications (1 of 4 stars). 5 submissions from 5 submitters: Likely pathogenic (1); Uncertain significance (3). 1 of the submissions does not count toward it. Last evaluated 2024-12-03.

Conditions:
Infertility disorder. Also called: Infertility. Identifiers: MedGen C0021359, MeSH D007246, MONDO:0005047, HP:0000789.
Delayed puberty. Identifiers: MedGen C0034012, HP:0000823.

Allele frequency attached by ClinVar (database versions not stated): gnomAD 0.00010; ESP Exome Variant Server 0.00015; ExAC 0.00016; TOPMed 0.00019.
gnomAD v4.1: 526 of 1,614,160 alleles (0.033%); highest among the groups gnomAD compares: Admixed American, 0.043%; 1 homozygote.

Submissions (5):

Dasa
Classification: Uncertain significance. Last evaluated: 2024-12-03. Review status: criteria provided, single submitter. Criteria: DASA Assertion Criteria. Collection method: clinical testing. Allele origin: germline.
Comment: NM_013251.4(TAC3):c.248A>G (p.His83Arg) is a missense variant that results in the substitution of histidine with arginine. This variant has been observed in affected individuals with TAC3-related disorders. Also, this variant is rare in population databases. The currently available literature and clinical evidence are not sufficient to establish a definitive association between this variant and the reported condition. Therefore, this variant is classified as a variant of uncertain significance.

CeGaT Center for Human Genetics Tuebingen
Classification: Uncertain significance. Last evaluated: 2023-10-01. Review status: criteria provided, single submitter. Criteria: CeGaT Center For Human Genetics Tuebingen Variant Classification Criteria Version 2. Collection method: clinical testing. Allele origin: germline. Affected: yes. Observed: 1 variant allele.

Labcorp Genetics (formerly Invitae), Labcorp
Classification: Uncertain significance. Last evaluated: 2021-10-14. Review status: criteria provided, single submitter. Criteria: Invitae Variant Classification Sherloc (09022015). Collection method: clinical testing. Allele origin: germline.
Comment: This sequence change replaces histidine with arginine at codon 83 of the TAC3 protein (p.His83Arg). The histidine residue is highly conserved and there is a small physicochemical difference between histidine and arginine. This variant is present in population databases (rs143862988, ExAC 0.05%). This missense change has been observed in individual(s) with clinical features of TAC3-related conditions (PMID: 25636053, 29419413). ClinVar contains an entry for this variant (Variation ID: 180150). Algorithms developed to predict the effect of missense changes on protein structure and function are either unavailable or do not agree on the potential impact of this missense change (SIFT: "Deleterious"; PolyPhen-2: "Benign"; Align-GVGD: "Class C25"). In summary, the available evidence is currently insufficient to determine the role of this variant in disease. Therefore, it has been classified as a Variant of Uncertain Significance.

Chan Lab, Boston Children's Hospital
Classification: Likely pathogenic for Delayed puberty. Last evaluated: 2014-11-01. Review status: criteria provided, single submitter. Criteria: Submitter's publication. Collection method: case-control. Allele origin: unknown. Affected: yes. Observed: 1 variant allele.

MAGI's Lab - Research, MAGI Group
Classification: Pathogenic for Infertility disorder. Review status: no assertion criteria provided. Collection method: provider interpretation. Allele origin: germline. Affected: yes. Not counted in ClinVar's aggregate classification.

Literature cited by the submitters: PubMed 25636053 (cited by Labcorp Genetics (formerly Invitae), Labcorp); PubMed 29419413 (cited by Labcorp Genetics (formerly Invitae), Labcorp).